The following is an entry in ClinVar:

ClinVar aggregate classification (germline): Uncertain significance (1 of 4 stars; one submission).

Conditions:
Hereditary cancer-predisposing syndrome. Also called: Tumor predisposition; Hereditary Cancer Syndrome; Hereditary neoplastic syndrome; Neoplastic Syndromes, Hereditary. Identifiers: Orphanet 140162, MedGen C0027672, MeSH D009386, MONDO:0015356.

gnomAD v4.1: 1 of 1,614,132 alleles (0.000062%); highest among the groups gnomAD compares: Middle Eastern, 0.017%; no homozygotes.

Submission:

Ambry Genetics
Classification: Uncertain significance for Hereditary cancer-predisposing syndrome. Last evaluated: 2025-11-12. Review status: criteria provided, single submitter. Criteria: Ambry Variant Classification Scheme 2023. Collection method: clinical testing. Allele origin: germline.
Comment: The p.S20R variant (also known as c.60C>G), located in coding exon 2 of the SDHAF2 gene, results from a C to G substitution at nucleotide position 60. The serine at codon 20 is replaced by arginine, an amino acid with dissimilar properties. This amino acid position is conserved. In addition, this alteration is predicted to be tolerated by in silico analysis. Based on the available evidence, the clinical significance of this variant remains unclear.

NM_017841.4(SDHAF2):c.60C>G (p.Ser20Arg)

Gene: SDHAF2 (succinate dehydrogenase complex assembly factor 2; plus strand). Cytogenetic location: 11q12.2.
Variant type: single nucleotide variant.
Coding change: c.60C>G on transcript NM_017841.4 (MANE Select); coding-DNA position 60, C replaced by G.
Protein change: p.Ser20Arg; replaces serine 20 with arginine.
Molecular consequence: missense variant.
Genome position (GRCh38, 1-based): chr11:61,437,648, C>G. VCF-style: chr11-61437648-C-G. GRCh37 (hg19) VCF-style: chr11-61205120-C-G.
Other names: short protein forms S20R.
Identifiers: ClinVar variation 4547309 (VCV004547309.1).